The following is an entry in ClinVar:

ClinVar aggregate classification (germline): Uncertain significance (1 of 4 stars; one submission).

Submission:

CeGaT Center for Human Genetics Tuebingen
Classification: Uncertain significance. Last evaluated: 2025-09-01. Review status: criteria provided, single submitter. Criteria: CeGaT Center For Human Genetics Tuebingen Variant Classification Criteria Version 2. Collection method: clinical testing. Allele origin: germline. Affected: yes. Observed: 1 variant allele.
Comment: ANK2: PM2, PP3

NM_001148.6(ANK2):c.11318+5G>A

Gene: ANK2 (ankyrin 2; plus strand). Cytogenetic location: 4q26.
Variant type: single nucleotide variant.
Coding change: c.11318+5G>A on transcript NM_001148.6 (MANE Select); 5 bases into the intron after coding-DNA position 11318, G replaced by A.
Molecular consequence: intron variant.
Genome position (GRCh38, 1-based): chr4:113,367,856, G>A. VCF-style: chr4-113367856-G-A. GRCh37 (hg19) VCF-style: chr4-114289012-G-A.
Other names: c.5048+5G>A (NM_001386186.2, NM_001386148.2); c.4850+5G>A (NM_001354269.3); c.4928+5G>A (NM_001386187.2); c.4889+5G>A (NM_001386147.1); c.4907+5G>A (NM_001386160.1); c.5012+5G>A (NM_001354254.2); c.5033+5G>A (NM_001354239.2, NM_001354252.2); c.4934+5G>A (NM_001354272.2); and 35 more.
Identifiers: ClinVar variation 4281196 (VCV004281196.7).
Genomic context (GRCh38, chr4:113,367,856, plus strand): 5'-GGGAAAATGCAAGACCTGCCTGAAGAGTCATCTCTGGAATATCAGCAGGAATATTTGTGA[G>A]TTTCCAAAGAAAGCCTGTCAAATGTAATACCAAAGAAACAGGCTATTGTGGATGCCAGGC-3'